The following is an entry in ClinVar:

NM_199355.4(ADAMTS18):c.1256G>C (p.Ser419Thr)

Gene: ADAMTS18 (ADAM metallopeptidase with thrombospondin type 1 motif 18; minus strand). Cytogenetic location: 16q23.1.
Variant type: single nucleotide variant.
Coding change: c.1256G>C on transcript NM_199355.4 (MANE Select); coding-DNA position 1256, G replaced by C.
Protein change: p.Ser419Thr; replaces serine 419 with threonine.
Molecular consequence: missense variant.
Genome position (GRCh38, 1-based): chr16:77,359,384, C>G on the plus strand (G>C on the coding strand, the complement: ADAMTS18 is on the minus strand). VCF-style: chr16-77359384-C-G. GRCh37 (hg19) VCF-style: chr16-77393281-C-G.
Other names: c.740G>C, p.Ser247Thr (NM_001326358.2); short protein forms S247T, S419T.
Identifiers: ClinVar variation 1504790 (VCV001504790.6), dbSNP rs375993147, ClinGen allele CA8181376.

ClinVar aggregate classification (germline): Uncertain significance (1 of 4 stars; one submission).

Allele frequency attached by ClinVar (database versions not stated): gnomAD exomes below 0.00001 and 0.00002; gnomAD 0.00001; TOPMed 0.00001; ExAC 0.00002; ESP Exome Variant Server 0.00008.
gnomAD v4.1: 15 of 1,613,948 alleles (0.00093%); highest among the groups gnomAD compares: Non-Finnish European, 0.0013%; no homozygotes.

Submission:

Labcorp Genetics (formerly Invitae), Labcorp
Classification: Uncertain significance. Last evaluated: 2023-05-22. Review status: criteria provided, single submitter. Criteria: Invitae Variant Classification Sherloc (09022015). Collection method: clinical testing. Allele origin: germline.
Comment: In summary, the available evidence is currently insufficient to determine the role of this variant in disease. Therefore, it has been classified as a Variant of Uncertain Significance. An algorithm developed to predict the effect of missense changes on protein structure and function (PolyPhen-2) suggests that this variant is likely to be disruptive. ClinVar contains an entry for this variant (Variation ID: 1504790). This variant has not been reported in the literature in individuals affected with ADAMTS18-related conditions. This variant is present in population databases (rs375993147, gnomAD 0.002%). This sequence change replaces serine with threonine at codon 419 of the ADAMTS18 protein (p.Ser419Thr). The serine residue is highly conserved and there is a small physicochemical difference between serine and threonine.